The following is an entry in ClinVar:

NM_021978.4(ST14):c.603G>A (p.Thr201=)

Gene: ST14 (ST14 transmembrane serine protease matriptase; plus strand). Cytogenetic location: 11q24.3.
Variant type: single nucleotide variant.
Coding change: c.603G>A on transcript NM_021978.4 (MANE Select); coding-DNA position 603, G replaced by A.
Protein change: p.Thr201=; no amino-acid change (threonine 201 retained).
Molecular consequence: synonymous variant.
Genome position (GRCh38, 1-based): chr11:130,190,117, G>A. VCF-style: chr11-130190117-G-A. GRCh37 (hg19) VCF-style: chr11-130060012-G-A.
Other names: c.603G>A (NM_021978.3).
Identifiers: ClinVar variation 4800302 (VCV004800302.2).

ClinVar aggregate classification (germline): Likely benign. Review status: criteria provided, multiple submitters, no conflicts (2 of 4 stars). 2 submissions from 2 submitters: Likely benign (2). Last evaluated 2026-04-24.

Conditions:
ST14-related disorder. Also called: ST14-related condition.

gnomAD v4.1: 497 of 1,614,178 alleles (0.031%); highest among the groups gnomAD compares: Middle Eastern, 1.8%; 10 homozygotes.

Submissions (2):

PreventionGenetics, part of Exact Sciences
Classification: Likely benign for ST14-related condition. Last evaluated: 2026-04-24. Review status: criteria provided, single submitter. Criteria: ACMG Guidelines, 2015. Collection method: clinical testing. Allele origin: germline.
Comment: This variant is classified as likely benign based on ACMG/AMP sequence variant interpretation guidelines (Richards et al. 2015 PMID: 25741868, with internal and published modifications).

Labcorp Genetics (formerly Invitae), Labcorp
Classification: Likely benign. Last evaluated: 2025-08-30. Review status: criteria provided, single submitter. Criteria: Invitae Variant Classification Sherloc (09022015). Collection method: clinical testing. Allele origin: germline.